The following is an entry in ClinVar:

NM_001844.5(COL2A1):c.1888-18_1888-14dup

Gene: COL2A1 (collagen type II alpha 1 chain; minus strand). Cytogenetic location: 12q13.11.
Variant type: Duplication.
Coding change: c.1888-18_1888-14dup on transcript NM_001844.5 (MANE Select); 18 bases into the intron before coding-DNA position 1888 through 14 bases into the intron before coding-DNA position 1888, 5 bases duplicated (TTTTT; older notation c.1888-18_1888-14dupTTTTT).
Molecular consequence: intron variant.
Genome position (GRCh38, 1-based): chr12:47,984,154-47,984,158, AAAAA duplicated on the plus strand (TTTTT on the coding strand, the reverse complement: COL2A1 is on the minus strand). VCF-style (leftmost placement, unchanged base first): chr12-47984153-G-GAAAAA. GRCh37 (hg19) VCF-style: chr12-48377936-G-GAAAAA.
Other names: c.1888-18_1888-14dupTTTTT (NM_001844.5); c.1681-18_1681-14dup (NM_033150.3).
Identifiers: ClinVar variation 2066035 (VCV002066035.6), dbSNP rs2136559359, ClinGen allele CA2580085460.

ClinVar aggregate classification (germline): Likely benign. Review status: criteria provided, multiple submitters, no conflicts (2 of 4 stars). 2 submissions from 2 submitters: Likely benign (2). Last evaluated 2025-01-09.

Submissions (2):

Women's Health and Genetics/Laboratory Corporation of America, LabCorp
Classification: Likely benign. Last evaluated: 2025-01-09. Review status: criteria provided, single submitter. Criteria: LabCorp Variant Classification Summary - May 2015. Collection method: clinical testing. Allele origin: germline.
Comment: Variant summary: COL2A1 c.1888-18_1888-14dupTTTTT alters a nucleotide located at a position not widely known to affect splicing. Consensus agreement among computation tools predict no significant impact on normal splicing. However, these predictions have yet to be confirmed by functional studies. The variant was absent in 247852 control chromosomes. The available data on variant occurrences in the general population are insufficient to allow any conclusion about variant significance. To our knowledge, no occurrence of c.1888-18_1888-14dupTTTTT in individuals affected with COL2A1-related conditions and no experimental evidence demonstrating its impact on protein function have been reported. ClinVar contains an entry for this variant (Variation ID: 2066035). Based on the evidence outlined above, the variant was classified as likely benign.

Labcorp Genetics (formerly Invitae), Labcorp
Classification: Likely benign. Last evaluated: 2021-12-30. Review status: criteria provided, single submitter. Criteria: Invitae Variant Classification Sherloc (09022015). Collection method: clinical testing. Allele origin: germline.